The following continues an entry in ClinVar:

NM_000059.4(BRCA2):c.5946del (p.Ser1982fs)

Gene: BRCA2. ClinVar aggregate classification (germline): Pathogenic. Pathogenic (1).

Submissions 8 to 17 of 88:

Cambridge Genomics Laboratory, East Genomic Laboratory Hub, NHS Genomic Medicine Service
Classification: Pathogenic for Inherited ovarian cancer (without breast cancer). Last evaluated: 2026-01-12. Review status: criteria provided, single submitter. Criteria: ACGS Best Practice Guidelines for Variant Classification in Rare Disease 2020. Collection method: clinical testing. Allele origin: germline. Affected: yes. Not counted in ClinVar's aggregate classification.
Comment: PVS1,PS4_Very Strong,PM5_Strong

Center for Genomic Medicine, Rigshospitalet, Copenhagen University Hospital
Classification: Pathogenic. Last evaluated: 2025-12-29. Review status: criteria provided, single submitter. Criteria: ACMG Guidelines, 2015. Collection method: clinical testing. Allele origin: germline. Not counted in ClinVar's aggregate classification.

Genetics Laboratory, Great Ormond Street Hospital NHS Foundation Trust, North Thames Genomic Laboratory Hub
Classification: Pathogenic for Inherited ovarian cancer (without breast cancer). Last evaluated: 2025-11-18. Review status: criteria provided, single submitter. Criteria: CanVIG BRCA Gene Specific V1.22. Collection method: clinical testing. Allele origin: germline. Affected: yes. Not counted in ClinVar's aggregate classification.
Comment: PS4_strong, PVS1_very-strong, PM5_strong, PP1_strong, PM3_strong

Victorian Clinical Genetics Services, Murdoch Childrens Research Institute
Classification: Pathogenic for BRCA2-related cancer predisposition. Last evaluated: 2025-11-13. Review status: criteria provided, single submitter. Criteria: ACMG Guidelines, 2015. Collection method: clinical testing. Allele origin: germline. Affected: no. Not counted in ClinVar's aggregate classification.
Comment: This variant is classified as Pathogenic. Evidence in support of pathogenic classification: Variant is predicted to cause nonsense-mediated decay (NMD) and loss of protein (premature termination codon is located at least 54 nucleotides upstream of the final exon-exon junction); Variant is present in gnomAD (v4) <0.01 (225 heterozygotes, 0 homozygotes); This variant has strong previous evidence of pathogenicity in unrelated individuals. This variant has been reported as pathogenic multiple times in the ClinVar database, and is curated as Pathogenic by the ENIGMA expert panel for familial breast and ovarian cancer (ClinVar). It has also been reported in the context of other cancers including prostate cancer and pancreatic adenocarcinoma (PMID: 19188187, 23658460). In a compound heterozygous state, this variant has been reported in individuals with Fanconi anaemia and brain tumours (PMID: 14559878, 16825431). Additional information: This variant is heterozygous; This gene is associated with both recessive and dominant disease. Predisposition to cancer follows an autosomal dominant inheritance pattern, while Fanconi anemia (MIM#605724) is associated with autosomal recessive inheritance (OMIM, PMID: 14559878); Loss of function is a known mechanism of disease in this gene and is associated with Fanconi anaemia, complementation group D1 (MIM#605724) and predisposition to breast, ovarian, and other cancers (MIM#612555, MIM#114480, MIM#613029, MIM#155255, MIM#613347, MIM#176807, MIM#194070); The condition associated with this gene has incomplete penetrance. Incomplete penetrance for the cancer phenotypes caused by this gene is well reported (PMIDs: 15994883, 20301425).

Quest Diagnostics Nichols Institute San Juan Capistrano
Classification: Pathogenic. Last evaluated: 2025-09-25. Review status: criteria provided, single submitter. Criteria: Quest Diagnostics criteria. Collection method: clinical testing. Allele origin: unknown. Not counted in ClinVar's aggregate classification.
Comment: The BRCA2 c.5946del (p.Ser1982Argfs*22) variant alters the translational reading frame of the BRCA2 mRNA and causes the premature termination of BRCA2 protein synthesis. This variant has been reported in the published literature in individuals with a personal and/or family history of breast and/or ovarian cancer (PMID: 39702187 (2024), 33471991 (2021), 32885271 (2021), 32341426 (2020), 29907814 (2018), 22006311 (2011), 21324516 (2011), 20887823 (2011), 20104584 (2010), see also LOVD), pancreatic cancer (PMID: 30883245 (2019), 28767289 (2017), 26440929 (2015)), and Fanconi anemia (PMID: 26064523 (2015), 19530235 (2009), 16825431 (2007), 14559878 (2003)). An in vitro study demonstrated that this variant is damaging to protein function (PMID: 15695382 (2005)). This variant is a BRCA2 founder variant in the Ashkenazi Jewish population with a carrier frequency of approximately 1.52% (PMID: 17591843 (2007) and 8841191 (1996)). Based on the available information, this variant is classified as pathogenic.

Molecular Pathology, Peter Maccallum Cancer Centre
Classification: Pathogenic for Breast-ovarian cancer, familial, susceptibility to, 2. Last evaluated: 2025-06-11. Review status: criteria provided, single submitter. Criteria: ACMG Guidelines, 2015. Collection method: clinical testing. Allele origin: germline. Inheritance: Autosomal dominant inheritance. Not counted in ClinVar's aggregate classification.

GeneKor MSA
Classification: Pathogenic for Hereditary breast ovarian cancer syndrome. Last evaluated: 2025-05-15. Review status: criteria provided, single submitter. Criteria: ACMG Guidelines, 2015. Collection method: clinical testing. Allele origin: germline. Affected: no. Not counted in ClinVar's aggregate classification.
Comment: This variant is a single base deletion in exon 11 of the BRCA2 mRNA c.(5946delT), causing a frameshift after codon 1982 and the creation of a premature translation stop signal 22 amino acid residues later p.(Ser1982Argfs*11). This is expected to result in an absent or disrupted protein product. Truncating variants in the BRCA2 gene are known to be pathogenic (PMID:20104584). This variant is present in population databases (rs80359550). This sequence change is also known as 6174delT and has been reported as a common cause of breast and ovarian cancer in the Ashkenazi Jewish population (PMID:9042909, 22430266). Moreover, it has been reported in individuals of other ethnicities (PMID:8758903, 10417300). This variant has been associated with a 43% to 55% risk of breast cancer by age 70, and a 20% to 37% risk of ovarian cancer by age 70 (PMID:15994883). ClinVar contains entries for this variant where is listed as pathogenic (VCV000009325.148). Based on the classification criteria set by the ACMG and AMP (PMID:25741868), this variant has been classified as pathogenic.

ARUP Laboratories, Molecular Genetics and Genomics, ARUP Laboratories
Classification: Pathogenic. Last evaluated: 2025-04-09. Review status: criteria provided, single submitter. Criteria: ARUP Molecular Germline Variant Investigation Process 2024. Collection method: clinical testing. Allele origin: germline. Not counted in ClinVar's aggregate classification.
Comment: The BRCA2 c.5946delT; p.Ser1982ArgfsTer22 variant (rs80359550), also published as 6174delT, is reported as a pathogenic founder variant in the Ashkenazi Jewish population (Abeliovich 1997, Couch 1996, Finkelman 2012), and has been associated with hereditary breast and ovarian cancer syndrome. The variant is reported as pathogenic by several sources in the ClinVar database (Variation ID: 9325) and is found in the Ashkenazi Jewish population with an allele frequency of 0.6% (61/10,364 alleles) in the Genome Aggregation Database. This variant causes a frameshift by deleting a single nucleotide, so it is predicted to result in a truncated protein or mRNA subject to nonsense-mediated decay. Based on available information, this variant is considered to be pathogenic. References: Abeliovich D et al. The founder mutations 185delAG and 5382insC in BRCA1 and 6174delT in BRCA2 appear in 60% of ovarian cancer and 30% of early-onset breast cancer patients among Ashkenazi women. Am J Hum Genet. 1997 Mar;60(3):505-14. PMID: 9042909. Couch FJ et al. BRCA2 germline mutations in male breast cancer cases and breast cancer families. Nat Genet. 1996 May;13(1):123-5. PMID: 8673091. Finkelman BS et al. Breast and ovarian cancer risk and risk reduction in Jewish BRCA1/2 mutation carriers. J Clin Oncol. 2012 Apr 20;30(12):1321-8. PMID: 22430266.

Color Diagnostics, LLC DBA Color Health
Classification: Pathogenic for Hereditary cancer-predisposing syndrome. Last evaluated: 2025-03-06. Review status: criteria provided, single submitter. Criteria: ACMG Guidelines, 2015. Collection method: clinical testing. Allele origin: germline. Not counted in ClinVar's aggregate classification.
Comment: This variant deletes 1 nucleotide in exon 11 of the BRCA2 gene, causing a frameshift and a premature translational stop signal. This variant is also known as 6174delT in the literature. This variant is expected to result in an absent or non-functional protein product. Functional studies have reported that this variant impacts BRCA2 function in homology-directed repair and other ancillary assays (PMID: 15695382, 18607349). This variant is a well-known founder mutation in the Ashkenazi Jewish population and occurs at 0.6-1.52% minor allele frequency (PMID: 8673092, 30152102). This variant has been reported in dozens of individuals affected with breast and/or ovarian cancer in Ashkenazi Jewish and in non-Ashkenazi Jewish populations (PMID: 8524414, 8673091, 8673092, 8758903, 8898735, 8841191, 9145676, 12473589, 14576434, 20104584, 21324516, 22006311, 22430266, 28944232, 29084914, 29433453). This variant has been reported with cosegregation likelihood ratio for pathogenicity of over 1,000 (PMID: 15695382) and in a breast cancer case-control meta-analysis in 26/60440 cases and 8/53453 unaffected individuals with OR 2.874 (95%CI 1.301 to 6.349) (PMID: 33471991; Leiden Open Variation Database DB-ID BRCA2_000149). The risk of female breast cancer among carriers of this mutation is 43-55% by age 70, and the risk of ovarian cancer is 18-37% by age 70 (PMID: 9145676, 15994883, 22430266). This variant has been identified in 78/282088 chromosomes in the general population (61/10364 Ashkenazi Jewish chromosomes) by the Genome Aggregation Database (gnomAD). Loss of BRCA2 function is a known mechanism of disease. Based on the available evidence, this variant is classified as Pathogenic.

Variantyx, Inc.
Classification: Pathogenic for Breast-ovarian cancer, familial, susceptibility to, 2. Last evaluated: 2025-03-05. Review status: criteria provided, single submitter. Criteria: Variantyx Assertion Criteria 2022. Collection method: clinical testing. Allele origin: germline. Not counted in ClinVar's aggregate classification.
Comment: This is a frameshift variant in the BRCA2 gene (OMIM: 600185). Pathogenic variants in this gene have been associated with autosomal dominant susceptibility to familial breast-ovarian cancer 2. This variant introduces a premature termination codon in exon 11 out of 27. It is expected to result in loss of function, which is a known disease mechanism for BRCA2 in this disorder (PMID: 16199546, 17063271, 25632310) (PVS1). This is an established founder variant in the Ashkenazi Jewish population (PMID: 20301425, 10464624, 10739756) (PS4). This variant has a 0.0030% maximum allele frequency in non-founder control populations (PM2_Supporting). Other reputable laboratories have reported this variant as pathogenic or likely pathogenic, and this classification has been validated by an expert panel in ClinVar (PP5). Based on the current evidence, this variant is classified as pathogenic for autosomal dominant susceptibility to familial breast-ovarian cancer 2.